The following is an entry in ClinVar:

NM_006393.3(NEBL):c.1052T>A (p.Met351Lys)

Gene: NEBL (nebulette; minus strand). Cytogenetic location: 10p12.31.
Variant type: single nucleotide variant.
Coding change: c.1052T>A on transcript NM_006393.3 (MANE Select); coding-DNA position 1052, T replaced by A.
Protein change: p.Met351Lys; replaces methionine 351 with lysine.
Molecular consequence: missense variant. On other transcripts: intron variant (9).
Genome position (GRCh38, 1-based): chr10:20,850,459, A>T on the plus strand (T>A on the coding strand, the complement: NEBL is on the minus strand). VCF-style: chr10-20850459-A-T. GRCh37 (hg19) VCF-style: chr10-21139388-A-T.
Other names: c.250-37519T>A (NM_001377326.1, NM_001377327.1, NM_001377328.1); c.358-37519T>A (NM_213569.2, NM_001173484.2, NM_001377322.1); c.301-37519T>A (NM_001377324.1); c.292-37519T>A (NM_001377325.1); c.310-37519T>A (NM_001377323.1); short protein forms M351K.
Identifiers: ClinVar variation 3918545 (VCV003918545.1).
Genomic context (GRCh38, chr10:20,850,459, plus strand): 5'-CTTTGCATCTTTTGAGCCTCCTTTGAAGCTTGATATGATGGTGTCTCAACAAATTCAAGC[A>T]TTGGCTTTCCCTTATTTTTCTCATATTCTTCTTTATATTTCACCTTCATTGGAAAAAGAA-3'
Protein context (NP_006384.1, residues 341-361): EEYEKNKGKP[Met351Lys]LEFVETPSYQ

ClinVar aggregate classification (germline): Uncertain significance (1 of 4 stars; one submission).

gnomAD v4.1: 1 of 1,612,256 alleles (0.000062%); no homozygotes.

Submission:

Ambry Genetics
Classification: Uncertain significance. Last evaluated: 2025-03-31. Review status: criteria provided, single submitter. Criteria: Ambry Variant Classification Scheme 2023. Collection method: clinical testing. Allele origin: germline.
Comment: The p.M351K variant (also known as c.1052T>A), located in coding exon 11 of the NEBL gene, results from a T to A substitution at nucleotide position 1052. The methionine at codon 351 is replaced by lysine, an amino acid with similar properties. This amino acid position is conserved. In addition, this alteration is predicted to be tolerated by in silico analysis. Based on the available evidence, the clinical significance of this variant remains unclear.